The following is an entry in ClinVar:

NM_004168.4(SDHA):c.1481T>C (p.Met494Thr)

Gene: SDHA (succinate dehydrogenase complex flavoprotein subunit A; plus strand). Cytogenetic location: 5p15.33.
Variant type: single nucleotide variant.
Coding change: c.1481T>C on transcript NM_004168.4 (MANE Select); coding-DNA position 1481, T replaced by C.
Protein change: p.Met494Thr; replaces methionine 494 with threonine.
Molecular consequence: missense variant.
Genome position (GRCh38, 1-based): chr5:240,406, T>C. VCF-style: chr5-240406-T-C. GRCh37 (hg19) VCF-style: chr5-240521-T-C.
Other names: c.1337T>C, p.Met446Thr (NM_001294332.2); c.1481T>C, p.Met494Thr (NM_001330758.2); c.1481T>C (NM_004168.2); short protein forms M494T, M446T.
Identifiers: ClinVar variation 566486 (VCV000566486.11), dbSNP rs1561001630, ClinGen allele CA359014259.

ClinVar aggregate classification (germline): Uncertain significance. Review status: criteria provided, multiple submitters, no conflicts (2 of 4 stars). 2 submissions from 2 submitters: Uncertain significance (2). Last evaluated 2023-09-14.

Conditions:
Hereditary cancer-predisposing syndrome. Also called: Neoplastic Syndromes, Hereditary; Tumor predisposition; Hereditary neoplastic syndrome; Hereditary Cancer Syndrome. Identifiers: Orphanet 140162, MedGen C0027672, MeSH D009386, MONDO:0015356.
Mitochondrial complex II deficiency, nuclear type 1. Also called: SUCCINATE CoQ REDUCTASE DEFICIENCY. Identifiers: Orphanet 3208, MedGen C5700310, MONDO:0100294, OMIM 252011.
Pheochromocytoma/paraganglioma syndrome 5. Also called: Paragangliomas 5; SDHA-Related Hereditary Paraganglioma-Pheochromocytoma Syndrome. Identifiers: Orphanet 29072, MedGen C3279992, MONDO:0013602, OMIM 614165.

Submissions (2):

Labcorp Genetics (formerly Invitae), Labcorp
Classification: Uncertain significance for Pheochromocytoma/paraganglioma syndrome 5; Mitochondrial complex II deficiency, nuclear type 1. Last evaluated: 2023-09-14. Review status: criteria provided, single submitter. Criteria: Invitae Variant Classification Sherloc (09022015). Collection method: clinical testing. Allele origin: germline.
Comment: This sequence change replaces methionine, which is neutral and non-polar, with threonine, which is neutral and polar, at codon 494 of the SDHA protein (p.Met494Thr). This variant is not present in population databases (gnomAD no frequency). In summary, the available evidence is currently insufficient to determine the role of this variant in disease. Therefore, it has been classified as a Variant of Uncertain Significance. Advanced modeling of protein sequence and biophysical properties (such as structural, functional, and spatial information, amino acid conservation, physicochemical variation, residue mobility, and thermodynamic stability) performed at Invitae indicates that this missense variant is not expected to disrupt SDHA protein function. ClinVar contains an entry for this variant (Variation ID: 566486). This variant has not been reported in the literature in individuals affected with SDHA-related conditions.

Ambry Genetics
Classification: Uncertain significance for Hereditary cancer-predisposing syndrome. Last evaluated: 2023-08-25. Review status: criteria provided, single submitter. Criteria: Ambry Variant Classification Scheme 2023. Collection method: clinical testing. Allele origin: germline.
Comment: The p.M494T variant (also known as c.1481T>C), located in coding exon 11 of the SDHA gene, results from a T to C substitution at nucleotide position 1481. The methionine at codon 494 is replaced by threonine, an amino acid with similar properties. This amino acid position is poorly conserved in available vertebrate species. In addition, this alteration is predicted to be tolerated by in silico analysis. Since supporting evidence is limited at this time, the clinical significance of this alteration remains unclear.